The following is an entry in ClinVar:

NM_001165963.4(SCN1A):c.1856A>G (p.Asn619Ser)

Gene: SCN1A (sodium voltage-gated channel alpha subunit 1; minus strand). Cytogenetic location: 2q24.3.
Variant type: single nucleotide variant.
Coding change: c.1856A>G on transcript NM_001165963.4 (MANE Select); coding-DNA position 1856, A replaced by G.
Protein change: p.Asn619Ser; replaces asparagine 619 with serine.
Molecular consequence: missense variant. On other transcripts: 5 prime UTR variant (1), non-coding transcript variant (1).
Genome position (GRCh38, 1-based): chr2:166,043,856, T>C on the plus strand (A>G on the coding strand, the complement: SCN1A is on the minus strand). VCF-style: chr2-166043856-T-C. GRCh37 (hg19) VCF-style: chr2-166900366-T-C.
Other names: c.1856A>G, p.Asn619Ser (NM_001165964.3, NM_001202435.3, NM_001353948.2 and 7 more transcripts); c.1853A>G, p.Asn618Ser (NM_001353954.2, NM_001353955.2, NM_001353960.2); c.-570A>G (NM_001353961.2); short protein forms N618S, N619S.
Identifiers: ClinVar variation 4538909 (VCV004538909.1).

ClinVar aggregate classification (germline): Uncertain significance (1 of 4 stars; one submission).

gnomAD v4.1: 2 of 1,614,150 alleles (0.00012%); highest among the groups gnomAD compares: Non-Finnish European, 0.00017%; no homozygotes.

Submission:

GeneDx
Classification: Uncertain significance. Last evaluated: 2025-06-17. Review status: criteria provided, single submitter. Criteria: GeneDx Variant Classification Process June 2021. Collection method: clinical testing. Allele origin: germline. Affected: yes.
Comment: Not observed at significant frequency in large population cohorts (gnomAD); In silico analysis suggests that this missense variant does not alter protein structure/function; Has not been previously published as pathogenic or benign to our knowledge; This substitution is predicted to be within the cytoplasmic loop between the first and second homologous domains